The following is an entry in ClinVar:

NM_033380.3(COL4A5):c.1164A>T (p.Pro388=)

Gene: COL4A5 (collagen type IV alpha 5 chain; plus strand). Cytogenetic location: Xq22.3.
Variant type: single nucleotide variant.
Coding change: c.1164A>T on transcript NM_033380.3 (MANE Select); coding-DNA position 1164, A replaced by T.
Protein change: p.Pro388=; no amino-acid change (proline 388 retained).
Molecular consequence: synonymous variant.
Genome position (GRCh38, 1-based): chrX:108,586,746, A>T. VCF-style: chrX-108586746-A-T. GRCh37 (hg19) VCF-style: chrX-107829976-A-T.
Other names: c.1164A>T, p.Pro388= (NM_000495.5).
Identifiers: ClinVar variation 1930999 (VCV001930999.2), dbSNP rs2524267833, ClinGen allele CA517992125.

ClinVar aggregate classification (germline): Uncertain significance (1 of 4 stars; one submission).

Submission:

Labcorp Genetics (formerly Invitae), Labcorp
Classification: Uncertain significance. Last evaluated: 2021-02-20. Review status: criteria provided, single submitter. Criteria: Invitae Variant Classification Sherloc (09022015). Collection method: clinical testing. Allele origin: germline.
Comment: This sequence change affects codon 388 of the COL4A5 mRNA. It is a 'silent' change, meaning that it does not change the encoded amino acid sequence of the COL4A5 protein. This variant is not present in population databases (ExAC no frequency). This variant has not been reported in the literature in individuals with COL4A5-related conditions. Algorithms developed to predict the effect of sequence changes on RNA splicing suggest that this variant may disrupt the consensus splice site, but this prediction has not been confirmed by published transcriptional studies. In summary, the available evidence is currently insufficient to determine the role of this variant in disease. Therefore, it has been classified as a Variant of Uncertain Significance.